The following is an entry in ClinVar:

ClinVar aggregate classification (germline): Conflicting classifications of pathogenicity. Review status: criteria provided, conflicting classifications (1 of 4 stars). 2 submissions from 2 submitters: Likely pathogenic (1); Uncertain significance (1). Last evaluated 2021-06-03.

Conditions:
Catecholaminergic polymorphic ventricular tachycardia 1. Also called: VENTRICULAR TACHYCARDIA, CATECHOLAMINERGIC POLYMORPHIC, 1, WITH OR WITHOUT ATRIAL DYSFUNCTION AND/OR DILATED CARDIOMYOPATHY; VENTRICULAR TACHYCARDIA, STRESS-INDUCED POLYMORPHIC 1; RYR2-Related Catecholaminergic Polymorphic Ventricular Tachycardia. Identifiers: Orphanet 3286, MedGen C1631597, MONDO:0011484, OMIM 604772.
RYR2-related disorder. Also called: RYR2-related condition.

Submissions (2):

Blueprint Genetics
Classification: Likely pathogenic for RYR2-related disorders. Last evaluated: 2021-06-03. Review status: criteria provided, single submitter. Criteria: ACMG Guidelines, 2015. Collection method: clinical testing. Allele origin: germline. Affected: yes. Observed: 1 variant allele.

Labcorp Genetics (formerly Invitae), Labcorp
Classification: Uncertain significance for Catecholaminergic polymorphic ventricular tachycardia 1. Last evaluated: 2018-10-16. Review status: criteria provided, single submitter. Criteria: Invitae Variant Classification Sherloc (09022015). Collection method: clinical testing. Allele origin: germline.
Comment: In summary, the available evidence is currently insufficient to determine the role of this variant in disease. Therefore, it has been classified as a Variant of Uncertain Significance. Algorithms developed to predict the effect of missense changes on protein structure and function (SIFT, PolyPhen-2, Align-GVGD) all suggest that this variant is likely to be disruptive, but these predictions have not been confirmed by published functional studies and their clinical significance is uncertain. This variant is not present in population databases (ExAC no frequency). This sequence change replaces valine with glutamic acid at codon 4190 of the RYR2 protein (p.Val4190Glu). The valine residue is highly conserved and there is a moderate physicochemical difference between valine and glutamic acid.

NM_001035.3(RYR2):c.12569T>A (p.Val4190Glu)

Genes: RYR2 (ryanodine receptor 2; plus strand), LOC126806068 (BRD4-independent group 4 enhancer GRCh37_chr1:237947411-237948610; plus strand). Cytogenetic location: 1q43.
Variant type: single nucleotide variant.
Coding change: c.12569T>A on transcript NM_001035.3 (MANE Select); coding-DNA position 12569, T replaced by A.
Protein change: p.Val4190Glu; replaces valine 4190 with glutamic acid.
Molecular consequence: missense variant.
Genome position (GRCh38, 1-based): chr1:237,784,281, T>A. VCF-style: chr1-237784281-T-A. GRCh37 (hg19) VCF-style: chr1-237947581-T-A.
Other names: c.12569T>A, p.Val4190Glu (LRG_402t1); short protein forms V4190E.
Identifiers: ClinVar variation 664195 (VCV000664195.11), dbSNP rs1064794753, ClinGen allele CA345413647.
Genomic context (GRCh38, chr1:237,784,281, plus strand): 5'-GACAGTTCATATTTGACGTGGTCAACGAAGGCGGAGAGAAAGAGAAGATGGAACTCTTTG[T>A]GAACTTCTGCGAGGACACCATCTTTGAAATGCAGCTGGCGGCTCAGATCTCGGAGTCGGA-3'
Protein context (NP_001026.2, residues 4180-4200): GGEKEKMELF[Val4190Glu]NFCEDTIFEM